The following is an entry in ClinVar:

ClinVar aggregate classification (germline): Conflicting classifications of pathogenicity. Review status: criteria provided, conflicting classifications (1 of 4 stars). 2 submissions from 2 submitters: Uncertain significance (1); Likely benign (1). Last evaluated 2025-07-18.

Conditions:
Hereditary cancer-predisposing syndrome. Also called: Neoplastic Syndromes, Hereditary; Hereditary Cancer Syndrome; Tumor predisposition; Hereditary neoplastic syndrome. Identifiers: Orphanet 140162, MedGen C0027672, MeSH D009386, MONDO:0015356.

Submissions (2):

Ambry Genetics
Classification: Likely benign for Hereditary cancer-predisposing syndrome. Last evaluated: 2025-07-18. Review status: criteria provided, single submitter. Criteria: Ambry Variant Classification Scheme 2023. Collection method: clinical testing. Allele origin: germline.

Mayo Clinic Laboratories, Mayo Clinic
Classification: Uncertain significance. Last evaluated: 2022-04-04. Review status: criteria provided, single submitter. Criteria: ACMG Guidelines, 2015. Collection method: clinical testing. Allele origin: germline. Observed: 2 variant alleles.
Comment: BP4, BP7, PP4, PM2

NM_020975.6(RET):c.1827C>T (p.Cys609=)

Gene: RET (ret proto-oncogene; plus strand). Cytogenetic location: 10q11.21.
Variant type: single nucleotide variant.
Coding change: c.1827C>T on transcript NM_020975.6 (MANE Select); coding-DNA position 1827, C replaced by T.
Protein change: p.Cys609=; no amino-acid change (cysteine 609 retained).
Molecular consequence: synonymous variant. On other transcripts: intron variant (2).
Genome position (GRCh38, 1-based): chr10:43,113,623, C>T. VCF-style: chr10-43113623-C-T. GRCh37 (hg19) VCF-style: chr10-43609071-C-T.
Other names: p.Cys609=; c.1827C>T, p.Cys609= (NM_000323.2, NM_001406743.1, NM_001406744.1 and 6 more transcripts); c.1065C>T, p.Cys355= (NM_001355216.2); c.1698C>T, p.Cys566= (NM_001406761.1, NM_001406762.1, NM_001406764.1 and 1 more transcripts); c.1539C>T, p.Cys513= (NM_001406766.1, NM_001406767.1, NM_001406770.1); c.1431C>T, p.Cys477= (NM_001406769.1, NM_001406772.1); c.1389C>T, p.Cys463= (NM_001406771.1, NM_001406773.1); c.1302C>T, p.Cys434= (NM_001406774.1); and 8 more.
Identifiers: ClinVar variation 2683100 (VCV002683100.2), dbSNP rs377767396, ClinGen allele CA469027870.